The following is an entry in ClinVar:

ClinVar aggregate classification (germline): Uncertain significance (1 of 4 stars; one submission).

Submission:

GeneDx
Classification: Uncertain significance. Last evaluated: 2025-07-09. Review status: criteria provided, single submitter. Criteria: GeneDx Variant Classification Process June 2021. Collection method: clinical testing. Allele origin: germline.
Comment: Not observed at significant frequency in large population cohorts (gnomAD); In silico analysis supports that this missense variant has a deleterious effect on protein structure/function; Has not been previously published as pathogenic or benign to our knowledge

NM_000435.3(NOTCH3):c.5354G>C (p.Arg1785Pro)

Gene: NOTCH3 (notch receptor 3; minus strand). Cytogenetic location: 19p13.12.
Variant type: single nucleotide variant.
Coding change: c.5354G>C on transcript NM_000435.3 (MANE Select); coding-DNA position 5354, G replaced by C.
Protein change: p.Arg1785Pro; replaces arginine 1785 with proline.
Molecular consequence: missense variant.
Genome position (GRCh38, 1-based): chr19:15,167,257, C>G on the plus strand (G>C on the coding strand, the complement: NOTCH3 is on the minus strand). VCF-style: chr19-15167257-C-G. GRCh37 (hg19) VCF-style: chr19-15278068-C-G.
Other names: short protein forms R1785P.
Identifiers: ClinVar variation 2663526 (VCV002663526.2), dbSNP rs747646930, ClinGen allele CA404495370.